The following is an entry in ClinVar:

NC_000017.11:g.(?_43044294)_(43124116_43125270)dup

Gene: BRCA1 (BRCA1 DNA repair associated; minus strand). Cytogenetic location: 17q21.31.
Variant type: Duplication.
Identifiers: ClinVar variation 982016 (VCV000982016.1).

ClinVar aggregate classification (germline): Uncertain significance (1 of 4 stars; one submission).

Submission:

Women's Health and Genetics/Laboratory Corporation of America, LabCorp
Classification: Uncertain significance. Last evaluated: 2020-09-10. Review status: criteria provided, single submitter. Criteria: LabCorp Variant Classification Summary - May 2015. Collection method: clinical testing. Allele origin: germline.
Comment: Variant summary: The variant identified by MLPA or other technology involves the duplication of exons 2-23 in the BRCA1 gene. A presumed nomenclature of c.(-20+1_-19-1)_(*1384_?)dup has been designated for the purposes of this classification. It has been assumed that this is a tandem duplication in direct orientation (Richardson_GIM_2018, Neuman_AJHG_2015). The variant was absent in 21692 control chromosomes (gnomAD, Structural Variants dataset). Duplication of exons 2-23 (legacy exons 2-24) has been reported in the literature in one individual who was undergoing clinical NGS-CNV analysis (Kerkhof_2017). This report does not provide unequivocal conclusions about association of the variant with Hereditary Breast And Ovarian Cancer Syndrome. To our knowledge, no experimental evidence demonstrating an impact on protein function has been reported. A ClinVar submitter (evaluation after 2014) cites the variant as uncertain significance. Based on the evidence outlined above, the variant was classified as uncertain significance.

Literature cited by the submitters: PubMed 28818680.